The following is an entry in ClinVar:

ClinVar aggregate classification (germline): Conflicting classifications of pathogenicity. Review status: criteria provided, conflicting classifications (1 of 4 stars). 3 submissions from 3 submitters: Uncertain significance (2); Likely benign (1). Last evaluated 2025-10-13.

Conditions:
Hereditary cancer-predisposing syndrome. Also called: Neoplastic Syndromes, Hereditary; Tumor predisposition; Hereditary Cancer Syndrome; Hereditary neoplastic syndrome. Identifiers: Orphanet 140162, MedGen C0027672, MeSH D009386, MONDO:0015356.
Hereditary breast ovarian cancer syndrome. Also called: Hereditary breast and ovarian cancer syndrome; Breast and ovarian cancer; Hereditary breast and/or ovarian cancer syndrome; Hereditary breast and ovarian cancer; BRCA1- and BRCA2-Associated Hereditary Breast and Ovarian Cancer; Hereditary breast and ovarian cancer syndrome (HBOC). Identifiers: Orphanet 145, MedGen C0677776, MeSH D061325, MONDO:0003582. Disease mechanism: loss of function.

Submissions (3):

Labcorp Genetics (formerly Invitae), Labcorp
Classification: Uncertain significance for Hereditary breast ovarian cancer syndrome. Last evaluated: 2025-10-13. Review status: criteria provided, single submitter. Criteria: Invitae Variant Classification Sherloc (09022015). Collection method: clinical testing. Allele origin: germline.
Comment: This sequence change replaces asparagine, which is neutral and polar, with serine, which is neutral and polar, at codon 1297 of the BRCA2 protein (p.Asn1297Ser). This variant is not present in population databases (gnomAD no frequency). This variant has not been reported in the literature in individuals affected with BRCA2-related conditions. ClinVar contains an entry for this variant (Variation ID: 1735894). Invitae Evidence Modeling of protein sequence and biophysical properties (such as structural, functional, and spatial information, amino acid conservation, physicochemical variation, residue mobility, and thermodynamic stability) indicates that this missense variant is not expected to disrupt BRCA2 protein function with a negative predictive value of 95%. In summary, the available evidence is currently insufficient to determine the role of this variant in disease. Therefore, it has been classified as a Variant of Uncertain Significance.

University of Washington Department of Laboratory Medicine, University of Washington
Classification: Likely benign for Hereditary cancer-predisposing syndrome. Last evaluated: 2023-03-23. Review status: criteria provided, single submitter. Criteria: Dines et al. (Genet Med. 2020). Collection method: curation. Allele origin: germline.
Comment: Missense variant in a coldspot region where missense variants are very unlikely to be pathogenic (PMID:31911673).

BRCA2 exon 11 coldspot. Reclassification based on statistical prior probability.

Ambry Genetics
Classification: Uncertain significance for Hereditary cancer-predisposing syndrome. Last evaluated: 2022-06-22. Review status: criteria provided, single submitter. Criteria: Ambry Variant Classification Scheme 2023. Collection method: clinical testing. Allele origin: germline.
Comment: The p.N1297S variant (also known as c.3890A>G), located in coding exon 10 of the BRCA2 gene, results from an A to G substitution at nucleotide position 3890. The asparagine at codon 1297 is replaced by serine, an amino acid with highly similar properties. This amino acid position is not well conserved in available vertebrate species. In addition, this alteration is predicted to be tolerated by in silico analysis. Since supporting evidence is limited at this time, the clinical significance of this alteration remains unclear.

NM_000059.4(BRCA2):c.3890A>G (p.Asn1297Ser)

Gene: BRCA2 (BRCA2 DNA repair associated; plus strand). Cytogenetic location: 13q13.1.
Variant type: single nucleotide variant.
Coding change: c.3890A>G on transcript NM_000059.4 (MANE Select); coding-DNA position 3890, A replaced by G.
Protein change: p.Asn1297Ser; replaces asparagine 1297 with serine.
Molecular consequence: missense variant.
Genome position (GRCh38, 1-based): chr13:32,338,245, A>G. VCF-style: chr13-32338245-A-G. GRCh37 (hg19) VCF-style: chr13-32912382-A-G.
Other names: c.3890A>G, p.Asn1297Ser (NM_001406719.1, NM_001406720.1); short protein forms N1297S.
Identifiers: ClinVar variation 1735894 (VCV001735894.5), dbSNP rs2137500985, ClinGen allele CA387778766.